The following is an entry in ClinVar:

NM_020631.6(PLEKHG5):c.2759_2761del (p.Pro920del)

Gene: PLEKHG5 (pleckstrin homology and RhoGEF domain containing G5; minus strand). Cytogenetic location: 1p36.31.
Variant type: Deletion.
Coding change: c.2759_2761del on transcript NM_020631.6 (MANE Select); coding-DNA positions 2759 to 2761, 3 bases deleted (CTC; older notation c.2759_2761delCTC).
Protein change: p.Pro920del; deletes proline 920.
Molecular consequence: inframe deletion. On other transcripts: inframe indel (1), intron variant (1).
Genome position (GRCh38, 1-based): chr1:6,468,075-6,468,077, GAG deleted on the plus strand (CTC on the coding strand, the reverse complement: PLEKHG5 is on the minus strand); deleting any 3 consecutive bases within chr1:6,468,075-6,468,078 gives the same sequence; the c. name uses the placement nearest the transcript's 3' end. VCF-style (leftmost placement, unchanged base first): chr1-6468074-TGAG-T. GRCh37 (hg19) VCF-style: chr1-6528134-TGAG-T.
Other names: c.2759_2761delCTC (NM_020631.3); c.2870_2872del, p.Pro957del (NM_001042663.3, NM_001265592.2); c.2759_2761del, p.Pro920del (NM_001042664.2, NM_001042665.2, NM_198681.4); c.2966_2968del, p.Pro989del (NM_001265593.2); c.2737+22_2737+24del (NM_001265594.3); short protein forms P920del, P989del, P957del.
Identifiers: ClinVar variation 297934 (VCV000297934.15), dbSNP rs536097668, ClinGen allele CA561095.

ClinVar aggregate classification (germline): Likely benign. Review status: criteria provided, multiple submitters, no conflicts (2 of 4 stars). 3 submissions from 3 submitters: Likely benign (3). Last evaluated 2026-01-29.

Conditions:
PLEKHG5-related disorder. Also called: PLEKHG5-related condition.
Inborn genetic diseases. Identifiers: MedGen C0950123, MeSH D030342.
Charcot-Marie-Tooth disease recessive intermediate C. Also called: CHARCOT-MARIE-TOOTH NEUROPATHY, RECESSIVE INTERMEDIATE C. Identifiers: Orphanet 369867, MedGen C3809309, MONDO:0014154, OMIM 615376.
Neuronopathy, distal hereditary motor, autosomal recessive 4. Also called: NEUROPATHY, DISTAL HEREDITARY MOTOR, AUTOSOMAL RECESSIVE 4; Autosomal recessive lower motor neuron disease with childhood onset. Identifiers: Orphanet 206580, MedGen C1970211, MONDO:0012608, OMIM 611067.

Submissions (3):

Labcorp Genetics (formerly Invitae), Labcorp
Classification: Likely benign for Neuronopathy, distal hereditary motor, autosomal recessive 4; Charcot-Marie-Tooth disease recessive intermediate C. Last evaluated: 2026-01-29. Review status: criteria provided, single submitter. Criteria: Invitae Variant Classification Sherloc (09022015). Collection method: clinical testing. Allele origin: germline.

PreventionGenetics, part of Exact Sciences
Classification: Likely benign for PLEKHG5-related condition. Last evaluated: 2025-10-24. Review status: criteria provided, single submitter. Criteria: ACMG Guidelines, 2015. Collection method: clinical testing. Allele origin: germline.
Comment: This variant is classified as likely benign based on ACMG/AMP sequence variant interpretation guidelines (Richards et al. 2015 PMID: 25741868, with internal and published modifications).

Ambry Genetics
Classification: Likely benign for Inborn genetic diseases. Last evaluated: 2020-05-15. Review status: criteria provided, single submitter. Criteria: Ambry Variant Classification Scheme 2023. Collection method: clinical testing. Allele origin: germline.